The following is an entry in ClinVar:

NM_004304.5(ALK):c.83G>A (p.Arg28His)

Gene: ALK (ALK receptor tyrosine kinase; minus strand). Cytogenetic location: 2p23.1.
Variant type: single nucleotide variant.
Coding change: c.83G>A on transcript NM_004304.5 (MANE Select); coding-DNA position 83, G replaced by A.
Protein change: p.Arg28His; replaces arginine 28 with histidine.
Molecular consequence: missense variant.
Genome position (GRCh38, 1-based): chr2:29,920,577, C>T on the plus strand (G>A on the coding strand, the complement: ALK is on the minus strand). VCF-style: chr2-29920577-C-T. GRCh37 (hg19) VCF-style: chr2-30143443-C-T.
Other names: short protein forms R28H.
Identifiers: ClinVar variation 1026691 (VCV001026691.8), dbSNP rs1667969323, ClinGen allele CA346590724.

ClinVar aggregate classification (germline): Uncertain significance (1 of 4 stars; one submission).

Conditions:
Neuroblastoma, susceptibility to, 3. Also called: ALK-Related Neuroblastic Tumor Susceptibility. Identifiers: Orphanet 635, MedGen C2751681, MONDO:0013083, OMIM 613014.

Submission:

Labcorp Genetics (formerly Invitae), Labcorp
Classification: Uncertain significance for Neuroblastoma, susceptibility to, 3. Last evaluated: 2022-01-16. Review status: criteria provided, single submitter. Criteria: Invitae Variant Classification Sherloc (09022015). Collection method: clinical testing. Allele origin: germline.
Comment: This sequence change replaces arginine, which is basic and polar, with histidine, which is basic and polar, at codon 28 of the ALK protein (p.Arg28His). This variant is not present in population databases (gnomAD no frequency). This variant has not been reported in the literature in individuals affected with ALK-related conditions. ClinVar contains an entry for this variant (Variation ID: 1026691). Algorithms developed to predict the effect of missense changes on protein structure and function output the following: SIFT: "Tolerated"; PolyPhen-2: "Benign"; Align-GVGD: "Class C0". The histidine amino acid residue is found in multiple mammalian species, which suggests that this missense change does not adversely affect protein function. In summary, the available evidence is currently insufficient to determine the role of this variant in disease. Therefore, it has been classified as a Variant of Uncertain Significance.